The following is an entry in ClinVar:

ClinVar aggregate classification (germline): Likely benign (1 of 4 stars; one submission).

Conditions:
Pulmonary hypertension, primary, 1 (PPH1). Also called: Pulmonary hypertension, familial primary, 1, with or without HHT. Identifiers: Orphanet 422, MedGen C4552070, MONDO:0024533, OMIM 178600.

Allele frequency attached by ClinVar (database versions not stated): TOPMed 0.00128; 1000 Genomes Project 30x 0.00094; gnomAD 0.00332 and 0.00323; 1000 Genomes Project 0.00120.

Submission:

Illumina Laboratory Services, Illumina
Classification: Likely benign for Pulmonary hypertension, primary, 1. Last evaluated: 2018-01-12. Review status: criteria provided, single submitter. Criteria: ICSL Variant Classification Criteria 13 December 2019. Collection method: clinical testing. Allele origin: germline.
Comment: This variant was observed in the ICSL laboratory as part of a predisposition screen in an ostensibly healthy population. It had not been previously curated by ICSL or reported in the Human Gene Mutation Database (HGMD: prior to June 1st, 2018), and was therefore a candidate for classification through an automated scoring system. Utilizing variant allele frequency, disease prevalence and penetrance estimates, and inheritance mode, an automated score was calculated to assess if this variant is too frequent to cause the disease. Based on the score and internal cut-off values, a variant classified as likely benign is not then subjected to further curation. The score for this variant resulted in a classification of likely benign for this disease.

NM_001204.7(BMPR2):c.*6001T>C

Gene: BMPR2 (bone morphogenetic protein receptor type 2; plus strand). Cytogenetic location: 2q33.2.
Variant type: single nucleotide variant.
Coding change: c.*6001T>C on transcript NM_001204.7 (MANE Select); 6001 bases downstream of the stop codon, T replaced by C.
Molecular consequence: 3 prime UTR variant.
Genome position (GRCh38, 1-based): chr2:202,565,947, T>C. VCF-style: chr2-202565947-T-C. GRCh37 (hg19) VCF-style: chr2-203430670-T-C.
Other names: c.*6001T>C (LRG_712t1).
Identifiers: ClinVar variation 333718 (VCV000333718.5), dbSNP rs187466173, ClinGen allele CA10613666.